The following is an entry in ClinVar:

ClinVar aggregate classification (germline): Benign. Review status: criteria provided, multiple submitters, no conflicts (2 of 4 stars). 2 submissions from 2 submitters: Benign (2). Last evaluated 2018-06-15.

Allele frequency attached by ClinVar (database versions not stated): 1000 Genomes Project 30x 0.16615; 1000 Genomes Project 0.17133; TOPMed 0.18345; gnomAD 0.19218 and 0.19467; gnomAD exomes 0.24314.
gnomAD v4.1: 179,051 of 768,086 alleles (23%); highest among the groups gnomAD compares: Middle Eastern, 28%; 22,211 homozygotes.

Submissions (2):

GeneDx
Classification: Benign. Last evaluated: 2018-06-15. Review status: criteria provided, single submitter. Criteria: GeneDx Variant Classification (06012015). Collection method: clinical testing. Allele origin: germline. Affected: yes.
Comment: This variant is considered likely benign or benign based on one or more of the following criteria: it is a conservative change, it occurs at a poorly conserved position in the protein, it is predicted to be benign by multiple in silico algorithms, and/or has population frequency not consistent with disease.

Breakthrough Genomics
Classification: Benign. Review status: criteria provided, single submitter. Criteria: ACMG Guidelines, 2015. Collection method: not provided. Allele origin: germline. Inheritance: Autosomal dominant inheritance. Affected: yes.

NM_003072.5(SMARCA4):c.2860-104A>G

Gene: SMARCA4 (SWI/SNF related BAF chromatin remodeling complex subunit ATPase 4; plus strand). Cytogenetic location: 19p13.2.
Variant type: single nucleotide variant.
Coding change: c.2860-104A>G on transcript NM_003072.5 (MANE Select); 104 bases into the intron before coding-DNA position 2860, A replaced by G.
Molecular consequence: intron variant.
Genome position (GRCh38, 1-based): chr19:11,023,414, A>G. VCF-style: chr19-11023414-A-G. GRCh37 (hg19) VCF-style: chr19-11134090-A-G.
Other names: c.2860-104A>G (NM_001128844.3, NM_001128849.3, NM_001128847.4 and 5 more transcripts).
Identifiers: ClinVar variation 676521 (VCV000676521.2), dbSNP rs12611191, ClinGen allele CA14635556.